The following is an entry in ClinVar:

NM_004446.3(EPRS1):c.4150C>T (p.Arg1384Ter)

Gene: EPRS1 (glutamyl-prolyl-tRNA synthetase 1; minus strand). Cytogenetic location: 1q41.
Variant type: single nucleotide variant.
Coding change: c.4150C>T on transcript NM_004446.3 (MANE Select); coding-DNA position 4150, C replaced by T.
Protein change: p.Arg1384Ter; replaces arginine 1384 with a stop codon.
Molecular consequence: nonsense.
Genome position (GRCh38, 1-based): chr1:219,973,332, G>A on the plus strand (C>T on the coding strand, the complement: EPRS1 is on the minus strand). VCF-style: chr1-219973332-G-A. GRCh37 (hg19) VCF-style: chr1-220146674-G-A.
Other names: short protein forms R1384*.
Identifiers: ClinVar variation 3089880 (VCV003089880.2), dbSNP rs771013981, ClinGen allele CA1399488.
Genomic context (GRCh38, chr1:219,973,332, plus strand): 5'-TAGCTTGAAGTTTAGTCTCTGCCTCATTTTCAGCAACTGTCAGCTTTTCTCCAGTATCTC[G>A]TCTGACGGCTACAAACTGACAGCTCTTCATATCACGTGGCCCAACTTCAAGTCTAATGGG-3'

ClinVar aggregate classification (germline): Pathogenic (1 of 4 stars; one submission).

Conditions:
Inborn genetic diseases. Identifiers: MedGen C0950123, MeSH D030342.

Allele frequency attached by ClinVar (database versions not stated): gnomAD exomes 0.00001; ExAC 0.00001.
gnomAD v4.1: 9 of 1,612,272 alleles (0.00056%); highest among the groups gnomAD compares: Non-Finnish European, 0.00051%; no homozygotes.

Submission:

Ambry Genetics
Classification: Pathogenic for Inborn genetic diseases. Last evaluated: 2026-07-22. Review status: criteria provided, single submitter. Criteria: Ambry Variant Classification Scheme 2023. Collection method: clinical testing. Allele origin: germline.
Comment: The c.4150C>T (p.R1384*) alteration, located in exon 29 (coding exon 29) of the EPRS gene, consists of a C to T substitution at nucleotide position 4150. This changes the amino acid from an arginine (R) to a stop codon at amino acid position 1384. This alteration is expected to result in loss of function by premature protein truncation or nonsense-mediated mRNA decay. Based on data from gnomAD, the T allele has an overall frequency of <0.001% (1/251246) total alleles studied. The highest observed frequency was 0.0046% (1/21644) of European (Finnish) alleles. Based on the available evidence, this alteration is classified as pathogenic.